The following is an entry in ClinVar:

ClinVar aggregate classification (germline): Likely pathogenic (1 of 4 stars; one submission).

Submission:

CeGaT Center for Human Genetics Tuebingen
Classification: Likely pathogenic. Last evaluated: 2022-03-01. Review status: criteria provided, single submitter. Criteria: CeGaT Center For Human Genetics Tuebingen Variant Classification Criteria Version 2. Collection method: clinical testing. Allele origin: germline. Affected: yes. Observed: 1 variant allele.
Comment: TMPRSS6: PM2, PM4, PM3:Supporting, PP4

NM_001374504.1(TMPRSS6):c.2407T>G (p.Ter803Gly)

Gene: TMPRSS6 (transmembrane serine protease 6; minus strand). Cytogenetic location: 22q12.3.
Variant type: single nucleotide variant.
Coding change: c.2407T>G on transcript NM_001374504.1 (MANE Select); coding-DNA position 2407, T replaced by G.
Protein change: p.Ter803Gly.
Molecular consequence: stop lost.
Genome position (GRCh38, 1-based): chr22:37,066,082, A>C on the plus strand (T>G on the coding strand, the complement: TMPRSS6 is on the minus strand). VCF-style: chr22-37066082-A-C. GRCh37 (hg19) VCF-style: chr22-37462122-A-C.
Other names: c.2473T>G, p.Ter825Gly (NM_001289000.2); c.2407T>G, p.Ter803Gly (NM_001289001.2, NM_153609.4).
Identifiers: ClinVar variation 1675886 (VCV001675886.33), dbSNP rs2146016503, ClinGen allele CA411417039.